The following is an entry in ClinVar:

NM_001197104.2(KMT2A):c.8766A>C (p.Glu2922Asp)

Gene: KMT2A (lysine methyltransferase 2A; plus strand). Cytogenetic location: 11q23.3.
Variant type: single nucleotide variant.
Coding change: c.8766A>C on transcript NM_001197104.2 (MANE Select); coding-DNA position 8766, A replaced by C.
Protein change: p.Glu2922Asp; replaces glutamic acid 2922 with aspartic acid.
Molecular consequence: missense variant.
Genome position (GRCh38, 1-based): chr11:118,504,658, A>C. VCF-style: chr11-118504658-A-C. GRCh37 (hg19) VCF-style: chr11-118375373-A-C.
Other names: c.8757A>C, p.Glu2919Asp (NM_005933.4); short protein forms E2919D, E2922D.
Identifiers: ClinVar variation 1698465 (VCV001698465.2), dbSNP rs2134400611, ClinGen allele CA382816025.

ClinVar aggregate classification (germline): Conflicting classifications of pathogenicity. Review status: criteria provided, conflicting classifications (1 of 4 stars). 2 submissions from 2 submitters: Uncertain significance (1); Likely benign (1). Last evaluated 2024-09-20.

Conditions:
Wiedemann-Steiner syndrome (WDSTS). Also called: Growth deficiency and mental retardation with facial dysmorphism. Identifiers: Orphanet 319182, MedGen C1854630, MONDO:0011518, OMIM 605130.

Submissions (2):

3billion
Classification: Likely benign for Wiedemann-Steiner syndrome. Last evaluated: 2024-09-20. Review status: criteria provided, single submitter. Criteria: ACMG Guidelines, 2015. Collection method: clinical testing. Allele origin: germline. Affected: no.
Comment: The variant was identified in at least one patient who was diagnosed with a different variant in another gene and showed no symptoms related to the gene containing the variant in question.

Women's Health and Genetics/Laboratory Corporation of America, LabCorp
Classification: Uncertain significance. Last evaluated: 2022-06-03. Review status: criteria provided, single submitter. Criteria: LabCorp Variant Classification Summary - May 2015. Collection method: clinical testing. Allele origin: germline.
Comment: Variant summary: KMT2A c.8766A>C (p.Glu2922Asp) results in a conservative amino acid change in the encoded protein sequence. Three of five in-silico tools predict a benign effect of the variant on protein function. The variant was absent in 251438 control chromosomes (gnomAD). The available data on variant occurrences in the general population are insufficient to allow any conclusion about variant significance. To our knowledge, no occurrence of c.8766A>C in individuals affected with Wiedemann-Steiner Syndrome and no experimental evidence demonstrating its impact on protein function have been reported. No clinical diagnostic laboratories have submitted clinical-significance assessments for this variant to ClinVar after 2014. Based on the evidence outlined above, the variant was classified as uncertain significance.